The following is an entry in ClinVar:

ClinVar aggregate classification (germline): Uncertain significance (1 of 4 stars; one submission).

Conditions:
Progressive sclerosing poliodystrophy (MTDPS4A). Also called: ALPERS PROGRESSIVE INFANTILE POLIODYSTROPHY; NEURONAL DEGENERATION OF CHILDHOOD WITH LIVER DISEASE, PROGRESSIVE; Alpers Syndrome; ALPERS DIFFUSE DEGENERATION OF CEREBRAL GRAY MATTER WITH HEPATIC CIRRHOSIS; Alpers-Huttenlocher Syndrome; Mitochondrial DNA depletion syndrome 4A (Alpers type). Identifiers: Orphanet 726, MedGen C0205710, MONDO:0008758, OMIM 203700.

Submission:

Labcorp Genetics (formerly Invitae), Labcorp
Classification: Uncertain significance for Progressive sclerosing poliodystrophy. Last evaluated: 2024-07-06. Review status: criteria provided, single submitter. Criteria: Invitae Variant Classification Sherloc (09022015). Collection method: clinical testing. Allele origin: germline.
Comment: This sequence change replaces glycine, which is neutral and non-polar, with aspartic acid, which is acidic and polar, at codon 723 of the POLG protein (p.Gly723Asp). This variant is not present in population databases (gnomAD no frequency). This variant has not been reported in the literature in individuals affected with POLG-related conditions. Advanced modeling of protein sequence and biophysical properties (such as structural, functional, and spatial information, amino acid conservation, physicochemical variation, residue mobility, and thermodynamic stability) performed at Invitae indicates that this missense variant is not expected to disrupt POLG protein function with a negative predictive value of 95%. In summary, the available evidence is currently insufficient to determine the role of this variant in disease. Therefore, it has been classified as a Variant of Uncertain Significance.

NM_002693.3(POLG):c.2168G>A (p.Gly723Asp)

Gene: POLG (DNA polymerase gamma, catalytic subunit; minus strand). Cytogenetic location: 15q26.1.
Variant type: single nucleotide variant.
Coding change: c.2168G>A on transcript NM_002693.3 (MANE Select); coding-DNA position 2168, G replaced by A.
Protein change: p.Gly723Asp; replaces glycine 723 with aspartic acid.
Molecular consequence: missense variant.
Genome position (GRCh38, 1-based): chr15:89,323,501, C>T on the plus strand (G>A on the coding strand, the complement: POLG is on the minus strand). VCF-style: chr15-89323501-C-T. GRCh37 (hg19) VCF-style: chr15-89866732-C-T.
Other names: c.2168G>A, p.Gly723Asp (NM_001126131.2); short protein forms G723D.
Identifiers: ClinVar variation 3685276 (VCV003685276.2).